The following is an entry in ClinVar:

ClinVar aggregate classification (germline): Uncertain significance (1 of 4 stars; one submission).

Allele frequency attached by ClinVar (database versions not stated): gnomAD exomes below 0.00001.
gnomAD v4.1: 1 of 1,614,132 alleles (0.000062%); highest among the groups gnomAD compares: Non-Finnish European, 0.000085%; no homozygotes.

Submission:

Labcorp Genetics (formerly Invitae), Labcorp
Classification: Uncertain significance. Last evaluated: 2022-07-14. Review status: criteria provided, single submitter. Criteria: Invitae Variant Classification Sherloc (09022015). Collection method: clinical testing. Allele origin: germline.
Comment: This variant is not present in population databases (gnomAD no frequency). In summary, the available evidence is currently insufficient to determine the role of this variant in disease. Therefore, it has been classified as a Variant of Uncertain Significance. Advanced modeling of protein sequence and biophysical properties (such as structural, functional, and spatial information, amino acid conservation, physicochemical variation, residue mobility, and thermodynamic stability) performed at Invitae indicates that this missense variant is not expected to disrupt DARS2 protein function. This variant has not been reported in the literature in individuals affected with DARS2-related conditions. This sequence change replaces leucine, which is neutral and non-polar, with valine, which is neutral and non-polar, at codon 475 of the DARS2 protein (p.Leu475Val).

NM_018122.5(DARS2):c.1423C>G (p.Leu475Val)

Gene: DARS2 (aspartyl-tRNA synthetase 2, mitochondrial; plus strand). Cytogenetic location: 1q25.1.
Variant type: single nucleotide variant.
Coding change: c.1423C>G on transcript NM_018122.5 (MANE Select); coding-DNA position 1423, C replaced by G.
Protein change: p.Leu475Val; replaces leucine 475 with valine.
Molecular consequence: missense variant.
Genome position (GRCh38, 1-based): chr1:173,853,427, C>G. VCF-style: chr1-173853427-C-G. GRCh37 (hg19) VCF-style: chr1-173822565-C-G.
Other names: c.1270C>G, p.Leu424Val (NM_001365212.1); short protein forms L424V, L475V.
Identifiers: ClinVar variation 1716636 (VCV001716636.5), dbSNP rs367676130, ClinGen allele CA343766443.